The following is an entry in ClinVar:

NM_004984.4(KIF5A):c.2117A>G (p.His706Arg)

Gene: KIF5A (kinesin family member 5A; plus strand). Cytogenetic location: 12q13.3.
Variant type: single nucleotide variant.
Coding change: c.2117A>G on transcript NM_004984.4 (MANE Select); coding-DNA position 2117, A replaced by G.
Protein change: p.His706Arg; replaces histidine 706 with arginine.
Molecular consequence: missense variant.
Genome position (GRCh38, 1-based): chr12:57,576,297, A>G. VCF-style: chr12-57576297-A-G. GRCh37 (hg19) VCF-style: chr12-57970080-A-G.
Other names: c.1850A>G, p.His617Arg (NM_001354705.2); short protein forms H617R, H706R.
Identifiers: ClinVar variation 3637618 (VCV003637618.2).

ClinVar aggregate classification (germline): Uncertain significance (1 of 4 stars; one submission).

Conditions:
Spastic paraplegia. Identifiers: MedGen C0037772, HP:0001258.

gnomAD v4.1: 1 of 1,614,044 alleles (0.000062%); no homozygotes.

Submission:

Labcorp Genetics (formerly Invitae), Labcorp
Classification: Uncertain significance for Spastic paraplegia. Last evaluated: 2024-04-25. Review status: criteria provided, single submitter. Criteria: Invitae Variant Classification Sherloc (09022015). Collection method: clinical testing. Allele origin: germline.
Comment: This sequence change replaces histidine, which is basic and polar, with arginine, which is basic and polar, at codon 706 of the KIF5A protein (p.His706Arg). This variant is not present in population databases (gnomAD no frequency). This variant has not been reported in the literature in individuals affected with KIF5A-related conditions. Advanced modeling of protein sequence and biophysical properties (such as structural, functional, and spatial information, amino acid conservation, physicochemical variation, residue mobility, and thermodynamic stability) performed at Invitae indicates that this missense variant is not expected to disrupt KIF5A protein function with a negative predictive value of 95%. In summary, the available evidence is currently insufficient to determine the role of this variant in disease. Therefore, it has been classified as a Variant of Uncertain Significance.